The following is an entry in ClinVar:

ClinVar aggregate classification (germline): Uncertain significance (1 of 4 stars; one submission).

Conditions:
Hereditary cancer-predisposing syndrome. Also called: Hereditary Cancer Syndrome; Hereditary neoplastic syndrome; Neoplastic Syndromes, Hereditary; Tumor predisposition. Identifiers: Orphanet 140162, MedGen C0027672, MeSH D009386, MONDO:0015356.

Submission:

Ambry Genetics
Classification: Uncertain significance for Hereditary cancer-predisposing syndrome. Last evaluated: 2020-10-16. Review status: criteria provided, single submitter. Criteria: Ambry Variant Classification Scheme 2023. Collection method: clinical testing. Allele origin: germline.
Comment: The p.A1426E variant (also known as c.4277C>A), located in coding exon 28 of the ATM gene, results from a C to A substitution at nucleotide position 4277. The alanine at codon 1426 is replaced by glutamic acid, an amino acid with dissimilar properties. This amino acid position is highly conserved in available vertebrate species. In addition, the in silico prediction for this alteration is inconclusive. Since supporting evidence is limited at this time, the clinical significance of this alteration remains unclear.

NM_000051.4(ATM):c.4277C>A (p.Ala1426Glu)

Gene: ATM (ATM serine/threonine kinase; plus strand). Cytogenetic location: 11q22.3.
Variant type: single nucleotide variant.
Coding change: c.4277C>A on transcript NM_000051.4 (MANE Select); coding-DNA position 4277, C replaced by A.
Protein change: p.Ala1426Glu; replaces alanine 1426 with glutamic acid.
Molecular consequence: missense variant.
Genome position (GRCh38, 1-based): chr11:108,289,642, C>A. VCF-style: chr11-108289642-C-A. GRCh37 (hg19) VCF-style: chr11-108160369-C-A.
Other names: c.4277C>A, p.Ala1426Glu (NM_001351834.2); short protein forms A1426E.
Identifiers: ClinVar variation 1739301 (VCV001739301.2), dbSNP rs2135760151, ClinGen allele CA382531333.